The following is an entry in ClinVar:

NM_001368397.1(FRMPD4):c.1855G>C (p.Glu619Gln)

Gene: FRMPD4 (FERM and PDZ domain containing 4; plus strand). Cytogenetic location: Xp22.2.
Variant type: single nucleotide variant.
Coding change: c.1855G>C on transcript NM_001368397.1 (MANE Select); coding-DNA position 1855, G replaced by C.
Protein change: p.Glu619Gln; replaces glutamic acid 619 with glutamine.
Molecular consequence: missense variant.
Genome position (GRCh38, 1-based): chrX:12,716,314, G>C. VCF-style: chrX-12716314-G-C. GRCh37 (hg19) VCF-style: chrX-12734433-G-C.
Other names: c.1966G>C, p.Glu656Gln (NM_001368395.3, NM_001368398.3); c.1861G>C, p.Glu621Gln (NM_001368396.3); c.1846G>C, p.Glu616Gln (NM_001368399.3); c.1735G>C, p.Glu579Gln (NM_001368400.3); c.1831G>C, p.Glu611Gln (NM_001368401.1, NM_001368402.3); c.1855G>C, p.Glu619Gln (NM_014728.3); short protein forms E579Q, E611Q, E616Q, E619Q, E621Q, E656Q.
Identifiers: ClinVar variation 4874407 (VCV004874407.2).
Genomic context (GRCh38, chrX:12,716,314, plus strand): 5'-AATGCCTATAGTTCAGATGGACTTAACCAGCAGCTGAGCCAGCCCGGGGAGGCCCCCTGT[G>C]AGGCAGACTACAGAAGTCTAGCTCAGCGGTCCCTATTGACCCTCTCAGGACCAGAAACTC-3'
Protein context (NP_001355326.1, residues 609-629): QLSQPGEAPC[Glu619Gln]ADYRSLAQRS

ClinVar aggregate classification (germline): Uncertain significance (1 of 4 stars; one submission).

Submission:

CeGaT Center for Human Genetics Tuebingen
Classification: Uncertain significance. Last evaluated: 2026-04-01. Review status: criteria provided, single submitter. Criteria: CeGaT Center For Human Genetics Tuebingen Variant Classification Criteria Version 2. Collection method: clinical testing. Allele origin: germline. Affected: yes. Observed: 1 variant allele.
Comment: FRMPD4: PM2, BP4